The following is an entry in ClinVar:

NM_000127.3(EXT1):c.1771G>C (p.Gly591Arg)

Gene: EXT1 (exostosin glycosyltransferase 1; minus strand). Cytogenetic location: 8q24.11.
Variant type: single nucleotide variant.
Coding change: c.1771G>C on transcript NM_000127.3 (MANE Select); coding-DNA position 1771, G replaced by C.
Protein change: p.Gly591Arg; replaces glycine 591 with arginine.
Molecular consequence: missense variant.
Genome position (GRCh38, 1-based): chr8:117,807,329, C>G on the plus strand (G>C on the coding strand, the complement: EXT1 is on the minus strand). VCF-style: chr8-117807329-C-G. GRCh37 (hg19) VCF-style: chr8-118819568-C-G.
Other names: short protein forms G591R.
Identifiers: ClinVar variation 2752265 (VCV002752265.3), dbSNP rs2129701736, ClinGen allele CA371878449.

ClinVar aggregate classification (germline): Uncertain significance (1 of 4 stars; one submission).

Conditions:
Multiple congenital exostosis (EXT). Also called: MULTIPLE CARTILAGINOUS EXOSTOSES; Hereditary multiple osteochondromas; Multiple osteochondromas; Hereditary multiple exostoses; Hereditary multiple exostosis; Multiple exostoses. Identifiers: Orphanet 321, MedGen C0015306, MONDO:0005508, HP:0002762.

Allele frequency attached by ClinVar (database versions not stated): gnomAD exomes below 0.00001.
gnomAD v4.1: 1 of 1,614,130 alleles (0.000062%); highest among the groups gnomAD compares: Non-Finnish European, 0.000085%; no homozygotes.

Submission:

Labcorp Genetics (formerly Invitae), Labcorp
Classification: Uncertain significance for Multiple congenital exostosis. Last evaluated: 2024-03-16. Review status: criteria provided, single submitter. Criteria: Invitae Variant Classification Sherloc (09022015). Collection method: clinical testing. Allele origin: germline.
Comment: This sequence change replaces glycine, which is neutral and non-polar, with arginine, which is basic and polar, at codon 591 of the EXT1 protein (p.Gly591Arg). This variant is not present in population databases (gnomAD no frequency). This variant has not been reported in the literature in individuals affected with EXT1-related conditions. Advanced modeling of protein sequence and biophysical properties (such as structural, functional, and spatial information, amino acid conservation, physicochemical variation, residue mobility, and thermodynamic stability) performed at Invitae indicates that this missense variant is expected to disrupt EXT1 protein function with a positive predictive value of 80%. In summary, the available evidence is currently insufficient to determine the role of this variant in disease. Therefore, it has been classified as a Variant of Uncertain Significance.